The following is an entry in ClinVar:

ClinVar aggregate classification (germline): Uncertain significance. Review status: criteria provided, multiple submitters, no conflicts (2 of 4 stars). 2 submissions from 2 submitters: Uncertain significance (2). Last evaluated 2025-05-12.

Conditions:
Inborn genetic diseases. Identifiers: MedGen C0950123, MeSH D030342.
Immunodeficiency, common variable, 7. Identifiers: Orphanet 1572, Orphanet 696894, MedGen C3542922, MONDO:0013862, OMIM 614699.

gnomAD v4.1: 16 of 1,613,830 alleles (0.00099%); highest among the groups gnomAD compares: Non-Finnish European, 0.0014%; no homozygotes.

Submissions (2):

Labcorp Genetics (formerly Invitae), Labcorp
Classification: Uncertain significance for Immunodeficiency, common variable, 7. Last evaluated: 2025-05-12. Review status: criteria provided, single submitter. Criteria: Invitae Variant Classification Sherloc (09022015). Collection method: clinical testing. Allele origin: germline.
Comment: This sequence change replaces isoleucine, which is neutral and non-polar, with valine, which is neutral and non-polar, at codon 288 of the CR2 protein (p.Ile288Val). This variant is present in population databases (rs758272030, gnomAD 0.006%). This variant has not been reported in the literature in individuals affected with CR2-related conditions. An algorithm developed to predict the effect of missense changes on protein structure and function (PolyPhen-2) suggests that this variant is likely to be tolerated. In summary, the available evidence is currently insufficient to determine the role of this variant in disease. Therefore, it has been classified as a Variant of Uncertain Significance.

Ambry Genetics
Classification: Uncertain significance for Inborn genetic diseases. Last evaluated: 2025-02-08. Review status: criteria provided, single submitter. Criteria: Ambry Variant Classification Scheme 2023. Collection method: clinical testing. Allele origin: germline.

NM_001006658.3(CR2):c.862A>G (p.Ile288Val)

Genes: CR2 (complement C3d receptor 2; plus strand), LOC126805994 (BRD4-independent group 4 enhancer GRCh37_chr1:207642622-207643821; plus strand). Cytogenetic location: 1q32.2.
Variant type: single nucleotide variant.
Coding change: c.862A>G on transcript NM_001006658.3 (MANE Select); coding-DNA position 862, A replaced by G.
Protein change: p.Ile288Val; replaces isoleucine 288 with valine.
Molecular consequence: missense variant.
Genome position (GRCh38, 1-based): chr1:207,469,739, A>G. VCF-style: chr1-207469739-A-G. GRCh37 (hg19) VCF-style: chr1-207643084-A-G.
Other names: c.862A>G, p.Ile288Val (NM_001877.5); short protein forms I288V.
Identifiers: ClinVar variation 3836128 (VCV003836128.2).
Genomic context (GRCh38, chr1:207,469,739, plus strand): 5'-TCTGCAATTCCCCTAGAAATTTTTTGCCCATCACCTCCCCCTATTCTCAATGGAAGACAT[A>G]TAGGCAACTCACTAGCAAATGTCTCATATGGAAGCATAGTCACTTACACTTGTGACCCGG-3'
Protein context (NP_001006659.1, residues 278-298): SPPPILNGRH[Ile288Val]GNSLANVSYG